The following is an entry in ClinVar:

NM_000080.4(CHRNE):c.*745G>A

Genes: MINK1 (misshapen like kinase 1; plus strand), CHRNE (cholinergic receptor nicotinic epsilon subunit; minus strand). Cytogenetic location: 17p13.2.
Variant type: single nucleotide variant.
Coding change: c.*745G>A on transcript NM_000080.4 (MANE Select); 745 bases downstream of the stop codon, G replaced by A.
Molecular consequence: 3 prime UTR variant.
Genome position (GRCh38, 1-based): chr17:4,897,991, C>T on the plus strand (G>A on the coding strand, the complement: CHRNE is on the minus strand). VCF-style: chr17-4897991-C-T. GRCh37 (hg19) VCF-style: chr17-4801286-C-T.
Other names: c.*704C>T (NM_001024937.4, NM_001321236.2, NM_015716.5 and 2 more transcripts).
Identifiers: ClinVar variation 323958 (VCV000323958.6), dbSNP rs1053751, ClinGen allele CA10650451.
Genomic context (GRCh38, chr17:4,897,991, plus strand): 5'-ACGCCCCTTGCTTGCATCTGTATATAGTGTGAGCAGCAAGTAACCCTTCTCCCTCCCCCC[C>T]CACCCCTCCTCAATGTAGTGGCCTTGGATATCCTGTTTGTTAATAAAGACAATTCAACCA-3'

ClinVar aggregate classification (germline): Benign. Review status: criteria provided, multiple submitters, no conflicts (2 of 4 stars). 2 submissions from 2 submitters: Benign (2). Last evaluated 2018-01-12.

Conditions:
Congenital myasthenic syndrome (CMS). Also called: Congenital Myasthenic Syndromes. Identifiers: Orphanet 590, MedGen C0751882, MeSH D020294, MONDO:0018940.

Allele frequency attached by ClinVar (database versions not stated): 1000 Genomes Project 0.77117; gnomAD 0.81649 and 0.81691.

Submissions (2):

Illumina Laboratory Services, Illumina
Classification: Benign for Congenital myasthenic syndrome. Last evaluated: 2018-01-12. Review status: criteria provided, single submitter. Criteria: ICSL Variant Classification Criteria 13 December 2019. Collection method: clinical testing. Allele origin: germline.
Comment: This variant was observed in the ICSL laboratory as part of a predisposition screen in an ostensibly healthy population. It had not been previously curated by ICSL or reported in the Human Gene Mutation Database (HGMD: prior to June 1st, 2018), and was therefore a candidate for classification through an automated scoring system. Utilizing variant allele frequency, disease prevalence and penetrance estimates, and inheritance mode, an automated score was calculated to assess if this variant is too frequent to cause the disease. Based on the score and internal cut-off values, a variant classified as benign is not then subjected to further curation. The score for this variant resulted in a classification of benign for this disease.

Breakthrough Genomics
Classification: Benign. Review status: criteria provided, single submitter. Criteria: ACMG Guidelines, 2015. Collection method: not provided. Allele origin: germline. Inheritance: Autosomal recessive inheritance. Affected: yes.